The following is an entry in ClinVar:

ClinVar aggregate classification (germline): Pathogenic (1 of 4 stars; one submission).

Submission:

Labcorp Genetics (formerly Invitae), Labcorp
Classification: Pathogenic. Last evaluated: 2021-11-07. Review status: criteria provided, single submitter. Criteria: Invitae Variant Classification Sherloc (09022015). Collection method: clinical testing. Allele origin: germline.
Comment: This sequence change creates a premature translational stop signal (p.Trp16*) in the MESP2 gene. It is expected to result in an absent or disrupted protein product. Loss-of-function variants in MESP2 are known to be pathogenic (PMID: 9242490, 18485326). This variant is not present in population databases (gnomAD no frequency). This variant has not been reported in the literature in individuals affected with MESP2-related conditions. Algorithms developed to predict the effect of sequence changes on RNA splicing suggest that this variant may create or strengthen a splice site. For these reasons, this variant has been classified as Pathogenic.

Literature cited by the submitters: PubMed 9242490; PubMed 18485326.

NM_001039958.2(MESP2):c.47G>A (p.Trp16Ter)

Gene: MESP2 (mesoderm posterior bHLH transcription factor 2; plus strand). Cytogenetic location: 15q26.1.
Variant type: single nucleotide variant.
Coding change: c.47G>A on transcript NM_001039958.2 (MANE Select); coding-DNA position 47, G replaced by A.
Protein change: p.Trp16Ter; replaces tryptophan 16 with a stop codon.
Molecular consequence: nonsense.
Genome position (GRCh38, 1-based): chr15:89,776,404, G>A. VCF-style: chr15-89776404-G-A. GRCh37 (hg19) VCF-style: chr15-90319635-G-A.
Other names: short protein forms W16*.
Identifiers: ClinVar variation 1441772 (VCV001441772.6), dbSNP rs2141773831, ClinGen allele CA393768754.